The following is an entry in ClinVar:

Conditions:
Breast-ovarian cancer, familial, susceptibility to, 1 (BROVCA1). Also called: BRCA1 Hereditary Breast and Ovarian Cancer; OVARIAN CANCER, SUSCEPTIBILITY TO. Identifiers: Orphanet 145, MedGen C2676676, MONDO:0011450, OMIM 604370. Disease mechanism: loss of function.

Submission:

Brotman Baty Institute, University of Washington
No classification provided (evidence only). Condition: Breast-ovarian cancer, familial 1. Review status: no classification provided. Collection method: in vitro. Allele origin: not applicable. Functional consequence: functionally_normal.
ClinVar note: "not provided" was previously submitted as the classification for the variant. However, the classification appeared to be based only on an observation of functional data so it was converted to no classification on 2025-07-30.

NM_007294.4(BRCA1):c.5075-4G>C

Gene: BRCA1 (BRCA1 DNA repair associated; minus strand). Cytogenetic location: 17q21.31.
Variant type: single nucleotide variant.
Coding change: c.5075-4G>C on transcript NM_007294.4 (MANE Select); 4 bases into the intron before coding-DNA position 5075, G replaced by C.
Molecular consequence: intron variant.
Genome position (GRCh38, 1-based): chr17:43,063,955, C>G on the plus strand (G>C on the coding strand, the complement: BRCA1 is on the minus strand). VCF-style: chr17-43063955-C-G. GRCh37 (hg19) VCF-style: chr17-41215972-C-G.
Other names: c.1760-4G>C (NM_001408399.1, NM_001408403.1, NM_001408398.1 and 8 more transcripts); c.1763-4G>C (NM_001407984.1, NM_001407983.1, NM_001407992.1 and 12 more transcripts); c.5066-4G>C (NM_001407645.1, NM_001407644.1); c.5069-4G>C (NM_001407628.1, NM_001407637.1, NM_001407641.1 and 14 more transcripts); c.5072-4G>C (NM_001407860.1, NM_001407611.1, NM_001407624.1 and 17 more transcripts); c.5135-4G>C (NM_001407590.1, NM_001407591.1); c.1640-4G>C (NM_001408443.1, NM_001408439.1, NM_001408434.1 and 10 more transcripts); c.1643-4G>C (NM_001408425.1, NM_001408428.1, NM_001408429.1 and 4 more transcripts); and 73 more.
Identifiers: ClinVar variation 868610 (VCV000868610.3), dbSNP rs397509220, ClinGen allele CA916080128.